The following is an entry in ClinVar:

NM_002691.4(POLD1):c.590-1G>A

Gene: POLD1 (DNA polymerase delta 1, catalytic subunit; plus strand). Cytogenetic location: 19q13.33.
Variant type: single nucleotide variant.
Coding change: c.590-1G>A on transcript NM_002691.4 (MANE Select); the canonical splice acceptor site of the intron before coding-DNA position 590, G replaced by A.
Molecular consequence: splice acceptor variant.
Genome position (GRCh38, 1-based): chr19:50,402,204, G>A. VCF-style: chr19-50402204-G-A. GRCh37 (hg19) VCF-style: chr19-50905461-G-A.
Other names: c.590-1G>A (NM_001256849.1, NM_001308632.1).
Identifiers: ClinVar variation 1750412 (VCV001750412.4), dbSNP rs2122242970, ClinGen allele CA406973692.

ClinVar aggregate classification (germline): Uncertain significance. Review status: criteria provided, multiple submitters, no conflicts (2 of 4 stars). 2 submissions from 2 submitters: Uncertain significance (2). Last evaluated 2026-02-02.

Conditions:
Hereditary cancer-predisposing syndrome. Also called: Tumor predisposition; Hereditary Cancer Syndrome; Hereditary neoplastic syndrome; Neoplastic Syndromes, Hereditary. Identifiers: Orphanet 140162, MedGen C0027672, MeSH D009386, MONDO:0015356.

Submissions (2):

Ambry Genetics
Classification: Uncertain significance for Hereditary cancer-predisposing syndrome. Last evaluated: 2026-02-02. Review status: criteria provided, single submitter. Criteria: Ambry Variant Classification Scheme 2023. Collection method: clinical testing. Allele origin: germline.
Comment: The c.590-1G>A intronic variant results from a G to A substitution one nucleotide upstream from coding exon 5 of the POLD1 gene. This nucleotide position is highly conserved in available vertebrate species. In silico splice site analysis predicts that this alteration will weaken the native splice acceptor site and will result in the creation or strengthening of a novel splice acceptor site. Alterations that disrupt the canonical splice site are expected to cause aberrant splicing, resulting in an abnormal protein or a transcript that is subject to nonsense-mediated mRNA decay. However, loss of function of POLD1 has not been established as a mechanism of disease. Based on the available evidence, the clinical significance of this variant remains unclear.

GeneDx
Classification: Uncertain significance. Last evaluated: 2022-12-15. Review status: criteria provided, single submitter. Criteria: GeneDx Variant Classification Process June 2021. Collection method: clinical testing. Allele origin: germline. Affected: yes.
Comment: Not observed at significant frequency in large population cohorts (gnomAD); Canonical splice site variant in a gene or region of a gene for which loss of function is not a well-established mechanism of disease; Has not been previously published as pathogenic or benign to our knowledge